The following is an entry in ClinVar:

ClinVar aggregate classification (germline): Benign/Likely benign. Review status: criteria provided, multiple submitters, no conflicts (2 of 4 stars). 3 submissions from 3 submitters: Benign (1); Likely benign (2). Last evaluated 2026-06-17.

Conditions:
Gastrointestinal stromal tumor. Also called: Gastrointestinal stroma tumor; Gastrointestinal stromal tumor, somatic. Identifiers: Orphanet 44890, MedGen C0238198, MeSH D046152, MONDO:0011719, OMIM 606764, HP:0100723.
Polyps, multiple and recurrent inflammatory fibroid, gastrointestinal. Identifiers: MedGen C5193005, MONDO:0008285, OMIM 175510.
Hereditary cancer-predisposing syndrome. Also called: Tumor predisposition; Hereditary neoplastic syndrome; Neoplastic Syndromes, Hereditary; Hereditary Cancer Syndrome. Identifiers: Orphanet 140162, MedGen C0027672, MeSH D009386, MONDO:0015356.

gnomAD v4.1: 17 of 1,443,458 alleles (0.0012%); highest among the groups gnomAD compares: South Asian, 0.0034%; no homozygotes.

Submissions (3):

Myriad Genetics, Inc.
Classification: Benign for Polyps, multiple and recurrent inflammatory fibroid, gastrointestinal. Last evaluated: 2026-06-17. Review status: criteria provided, single submitter. Criteria: Myriad Autosomal Dominant, Autosomal Recessive and X-Linked Classification Criteria (2023). Collection method: clinical testing. Allele origin: unknown.
Comment: This variant is considered benign. This variant is a silent/synonymous amino acid change and it is not expected to impact splicing.

Labcorp Genetics (formerly Invitae), Labcorp
Classification: Likely benign for Gastrointestinal stromal tumor. Last evaluated: 2025-12-01. Review status: criteria provided, single submitter. Criteria: Invitae Variant Classification Sherloc (09022015). Collection method: clinical testing. Allele origin: germline.

Ambry Genetics
Classification: Likely benign for Hereditary cancer-predisposing syndrome. Last evaluated: 2019-01-31. Review status: criteria provided, single submitter. Criteria: Ambry Variant Classification Scheme 2023. Collection method: clinical testing. Allele origin: germline.

NM_006206.6(PDGFRA):c.2574C>T (p.Pro858=)

Gene: PDGFRA (platelet derived growth factor receptor alpha; plus strand). Cytogenetic location: 4q12.
Variant type: single nucleotide variant.
Coding change: c.2574C>T on transcript NM_006206.6 (MANE Select); coding-DNA position 2574, C replaced by T.
Protein change: p.Pro858=; no amino-acid change (proline 858 retained).
Molecular consequence: synonymous variant.
Genome position (GRCh38, 1-based): chr4:54,287,441, C>T. VCF-style: chr4-54287441-C-T. GRCh37 (hg19) VCF-style: chr4-55153608-C-T.
Other names: c.2649C>T, p.Pro883= (NM_001347828.2); c.2574C>T, p.Pro858= (NM_001347829.2); c.2613C>T, p.Pro871= (NM_001347830.2).
Identifiers: ClinVar variation 459061 (VCV000459061.17), dbSNP rs771421611, ClinGen allele CA2922908.